The following is an entry in ClinVar:

NM_000089.4(COL1A2):c.1765-2del

Gene: COL1A2 (collagen type I alpha 2 chain; plus strand). Cytogenetic location: 7q21.3.
Variant type: Deletion.
Coding change: c.1765-2del on transcript NM_000089.4 (MANE Select); the canonical splice acceptor site of the intron before coding-DNA position 1765, one base deleted (A; older notation c.1765-2delA).
Molecular consequence: splice acceptor variant.
Genome position (GRCh38, 1-based): chr7:94,416,403, A deleted. VCF-style (leftmost placement, unchanged base first): chr7-94416402-CA-C. GRCh37 (hg19) VCF-style: chr7-94045714-CA-C.
Identifiers: ClinVar variation 2951347 (VCV002951347.3), dbSNP rs2484719729, ClinGen allele CA2740097405.

ClinVar aggregate classification (germline): Likely pathogenic (1 of 4 stars; one submission).

Conditions:
Osteogenesis imperfecta type I (OI1). Also called: Lobstein disease; OI, TYPE I; OSTEOGENESIS IMPERFECTA TARDA; OSTEOGENESIS IMPERFECTA WITH BLUE SCLERAE; Osteogenesis imperfecta type 1; Lobstein's Disease. Identifiers: Orphanet 216796, Orphanet 666, MedGen C0023931, MONDO:0008146, OMIM 166200. Disease mechanism: loss of function.
Ehlers-Danlos syndrome, classic type, 1 (EDSCL1). Also called: EDS I; EHLERS-DANLOS SYNDROME, GRAVIS TYPE; EHLERS-DANLOS SYNDROME, SEVERE CLASSIC TYPE; Ehlers-Danlos syndrome, type 1; Ehlers-Danlos Syndrome, Classic Type, COL5A1-Related. Identifiers: MedGen C0268335, MONDO:0019567, OMIM 130000.

Submission:

Labcorp Genetics (formerly Invitae), Labcorp
Classification: Likely pathogenic for Osteogenesis imperfecta type I; Ehlers-Danlos syndrome, classic type, 1. Last evaluated: 2025-11-19. Review status: criteria provided, single submitter. Criteria: Invitae Variant Classification Sherloc (09022015). Collection method: clinical testing. Allele origin: germline.
Comment: This sequence change affects a splice site in intron 30 of the COL1A2 gene. It is expected to disrupt RNA splicing. Variants that disrupt the donor or acceptor splice site typically lead to a loss of protein function (PMID: 16199547), and loss-of-function variants in COL1A2 are known to be pathogenic (PMID: 11288717, 15077201). This variant is not present in population databases (gnomAD no frequency). This variant has not been reported in the literature in individuals affected with COL1A2-related conditions. ClinVar contains an entry for this variant (Variation ID: 2951347). Algorithms developed to predict the effect of sequence changes on RNA splicing suggest that this variant may disrupt the consensus splice site. In summary, the currently available evidence indicates that the variant is pathogenic, but additional data are needed to prove that conclusively. Therefore, this variant has been classified as Likely Pathogenic.

Literature cited by the submitters: PubMed 16199547; PubMed 11288717; PubMed 15077201.